The following is an entry in ClinVar:

NM_015909.4(NBAS):c.5677A>G (p.Ile1893Val)

Gene: NBAS (NBAS subunit of NRZ tethering complex; minus strand). Cytogenetic location: 2p24.3.
Variant type: single nucleotide variant.
Coding change: c.5677A>G on transcript NM_015909.4 (MANE Select); coding-DNA position 5677, A replaced by G.
Protein change: p.Ile1893Val; replaces isoleucine 1893 with valine.
Molecular consequence: missense variant. On other transcripts: non-coding transcript variant (1).
Genome position (GRCh38, 1-based): chr2:15,275,531, T>C on the plus strand (A>G on the coding strand, the complement: NBAS is on the minus strand). VCF-style: chr2-15275531-T-C. GRCh37 (hg19) VCF-style: chr2-15415655-T-C.
Other names: short protein forms I1893V.
Identifiers: ClinVar variation 1400192 (VCV001400192.3), dbSNP rs1314233045, ClinGen allele CA345882108.

ClinVar aggregate classification (germline): Uncertain significance (1 of 4 stars; one submission).

Allele frequency attached by ClinVar (database versions not stated): TOPMed 0.00001; gnomAD 0.00002; gnomAD exomes 0.00001.
gnomAD v4.1: 10 of 1,613,890 alleles (0.00062%); highest among the groups gnomAD compares: African/African-American, 0.004%; no homozygotes.

Submission:

Labcorp Genetics (formerly Invitae), Labcorp
Classification: Uncertain significance. Last evaluated: 2022-10-04. Review status: criteria provided, single submitter. Criteria: Invitae Variant Classification Sherloc (09022015). Collection method: clinical testing. Allele origin: germline.
Comment: This sequence change replaces isoleucine, which is neutral and non-polar, with valine, which is neutral and non-polar, at codon 1893 of the NBAS protein (p.Ile1893Val). This variant is present in population databases (no rsID available, gnomAD 0.002%). This variant has not been reported in the literature in individuals affected with NBAS-related conditions. ClinVar contains an entry for this variant (Variation ID: 1400192). Advanced modeling of protein sequence and biophysical properties (such as structural, functional, and spatial information, amino acid conservation, physicochemical variation, residue mobility, and thermodynamic stability) performed at Invitae indicates that this missense variant is not expected to disrupt NBAS protein function. In summary, the available evidence is currently insufficient to determine the role of this variant in disease. Therefore, it has been classified as a Variant of Uncertain Significance.